The following is an entry in ClinVar:

NM_002439.5(MSH3):c.575A>T (p.Gln192Leu)

Gene: MSH3 (mutS homolog 3; plus strand). Cytogenetic location: 5q14.1.
Variant type: single nucleotide variant.
Coding change: c.575A>T on transcript NM_002439.5 (MANE Select); coding-DNA position 575, A replaced by T.
Protein change: p.Gln192Leu; replaces glutamine 192 with leucine.
Molecular consequence: missense variant.
Genome position (GRCh38, 1-based): chr5:80,665,359, A>T. VCF-style: chr5-80665359-A-T. GRCh37 (hg19) VCF-style: chr5-79961178-A-T.
Other names: short protein forms Q192L.
Identifiers: ClinVar variation 1749466 (VCV001749466.2), dbSNP rs1749547537, ClinGen allele CA360264632.

ClinVar aggregate classification (germline): Uncertain significance (1 of 4 stars; one submission).

Conditions:
Hereditary cancer-predisposing syndrome. Also called: Hereditary Cancer Syndrome; Hereditary neoplastic syndrome; Neoplastic Syndromes, Hereditary; Tumor predisposition. Identifiers: Orphanet 140162, MedGen C0027672, MeSH D009386, MONDO:0015356.

Submission:

Ambry Genetics
Classification: Uncertain significance for Hereditary cancer-predisposing syndrome. Last evaluated: 2022-10-02. Review status: criteria provided, single submitter. Criteria: Ambry Variant Classification Scheme 2023. Collection method: clinical testing. Allele origin: germline.
Comment: The p.Q192L variant (also known as c.575A>T), located in coding exon 3 of the MSH3 gene, results from an A to T substitution at nucleotide position 575. The glutamine at codon 192 is replaced by leucine, an amino acid with dissimilar properties. This amino acid position is conserved. In addition, this alteration is predicted to be tolerated by in silico analysis. Since supporting evidence is limited at this time, the clinical significance of this alteration remains unclear.